The following is an entry in ClinVar:

ClinVar aggregate classification (germline): Pathogenic (1 of 4 stars; one submission).

Submission:

CeGaT Center for Human Genetics Tuebingen
Classification: Pathogenic. Last evaluated: 2025-09-01. Review status: criteria provided, single submitter. Criteria: CeGaT Center For Human Genetics Tuebingen Variant Classification Criteria Version 2. Collection method: clinical testing. Allele origin: germline. Affected: yes. Observed: 1 variant allele.
Comment: PIKFYVE: PVS1, PM2

NM_015040.4(PIKFYVE):c.3588_3610del (p.Ile1197fs)

Gene: PIKFYVE (phosphoinositide kinase, FYVE-type zinc finger containing; plus strand). Cytogenetic location: 2q34.
Variant type: Deletion.
Coding change: c.3588_3610del on transcript NM_015040.4 (MANE Select); coding-DNA positions 3588 to 3610, 23 bases deleted (TATTCTGAGTGATGCTGTGTGGT).
Protein change: p.Ile1197fs; shifts the reading frame from isoleucine 1197.
Molecular consequence: frameshift variant.
Genome position (GRCh38, 1-based): chr2:208,326,399-208,326,421, TATTCTGAGTGATGCTGTGTGGT deleted; deleting any 23 consecutive bases within chr2:208,326,398-208,326,421 gives the same sequence; the c. name uses the placement nearest the transcript's 3' end. VCF-style (leftmost placement, unchanged base first): chr2-208326397-CTTATTCTGAGTGATGCTGTGTGG-C. GRCh37 (hg19) VCF-style: chr2-209191121-CTTATTCTGAGTGATGCTGTGTGG-C.
Other names: short protein forms I1197fs.
Identifiers: ClinVar variation 4281476 (VCV004281476.7).
Genomic context (GRCh38, chr2:208,326,397, plus strand): 5'-GCATCAAGTACTTCAAGTGGCCAATCAGGAAGCAAAAATGAGGGTGATGAAGAGAGAGGG[CTTATTCTGAGTGATGCTGTGTGG>C]TCAACAAAGGTGAGCCAGACCACTTTCTGATGCTCCTGTGCATTTAGGATGTGTTGAATG-3'